The following is an entry in ClinVar:

ClinVar aggregate classification (germline): Uncertain significance. Review status: criteria provided, multiple submitters, no conflicts (2 of 4 stars). 2 submissions from 2 submitters: Uncertain significance (2). Last evaluated 2022-08-31.

Conditions:
KBG syndrome (KBGS). Also called: ANKRD11-Related KBG Syndrome. Identifiers: Orphanet 2332, MedGen C0220687, MONDO:0007846, OMIM 148050.
Inborn genetic diseases. Identifiers: MedGen C0950123, MeSH D030342.

Allele frequency attached by ClinVar (database versions not stated): gnomAD 0.00001; TOPMed 0.00001; 1000 Genomes Project 0.00020; 1000 Genomes Project 30x 0.00031.
gnomAD v4.1: 4 of 1,612,670 alleles (0.00025%); highest among the groups gnomAD compares: African/African-American, 0.004%; no homozygotes.

Submissions (2):

Labcorp Genetics (formerly Invitae), Labcorp
Classification: Uncertain significance for KBG syndrome. Last evaluated: 2022-08-31. Review status: criteria provided, single submitter. Criteria: Invitae Variant Classification Sherloc (09022015). Collection method: clinical testing. Allele origin: germline.
Comment: This sequence change replaces proline, which is neutral and non-polar, with arginine, which is basic and polar, at codon 2142 of the ANKRD11 protein (p.Pro2142Arg). This variant has not been reported in the literature in individuals affected with ANKRD11-related conditions. This variant is present in population databases (rs577405940, gnomAD 0.02%). Algorithms developed to predict the effect of missense changes on protein structure and function are either unavailable or do not agree on the potential impact of this missense change (SIFT: "Deleterious"; PolyPhen-2: "Probably Damaging"; Align-GVGD: "Class C0"). In summary, the available evidence is currently insufficient to determine the role of this variant in disease. Therefore, it has been classified as a Variant of Uncertain Significance.

Ambry Genetics
Classification: Uncertain significance for Inborn genetic diseases. Last evaluated: 2021-07-06. Review status: criteria provided, single submitter. Criteria: Ambry Variant Classification Scheme 2023. Collection method: clinical testing. Allele origin: germline.

NM_013275.6(ANKRD11):c.6425C>G (p.Pro2142Arg)

Gene: ANKRD11 (ankyrin repeat domain 11; minus strand). Cytogenetic location: 16q24.3.
Variant type: single nucleotide variant.
Coding change: c.6425C>G on transcript NM_013275.6 (MANE Select); coding-DNA position 6425, C replaced by G.
Protein change: p.Pro2142Arg; replaces proline 2142 with arginine.
Molecular consequence: missense variant.
Genome position (GRCh38, 1-based): chr16:89,280,117, G>C on the plus strand (C>G on the coding strand, the complement: ANKRD11 is on the minus strand). VCF-style: chr16-89280117-G-C. GRCh37 (hg19) VCF-style: chr16-89346525-G-C.
Other names: c.6425C>G, p.Pro2142Arg (NM_001256182.2, NM_001256183.2); c.6425C>G (NM_013275.4); short protein forms P2142R.
Identifiers: ClinVar variation 2157148 (VCV002157148.5), dbSNP rs577405940, ClinGen allele CA286510249.